The following is an entry in ClinVar:

ClinVar aggregate classification (germline): Conflicting classifications of pathogenicity. Review status: criteria provided, conflicting classifications (1 of 4 stars). 9 submissions from 9 submitters: Uncertain significance (1); Likely benign (7). 1 of the submissions does not count toward it. Last evaluated 2026-01-28.

Conditions:
PLEC-related disorder. Also called: PLEC-related disorders; PLEC-related condition.
Epidermolysis bullosa simplex, Ogna type (EBS5A). Also called: Pidermolysis bullosa simplex 5A, Ogna type; EPIDERMOLYSIS BULLOSA SIMPLEX 5A, OGNA TYPE. Identifiers: Orphanet 79401, MedGen C0432317, MONDO:0007555, OMIM 131950.
Epidermolysis bullosa simplex 5C, with pyloric atresia (EBS5C). Also called: PLEC-Related Epidermolysis Bullosa with Pyloric Atresia; Epidermolysis bullosa simplex with pyloric atresia; PLEC1-Related Epidermolysis Bullosa with Pyloric Atresia. Identifiers: Orphanet 158684, MedGen C2677349, MONDO:0012807, OMIM 612138.
Autosomal recessive limb-girdle muscular dystrophy type 2Q (LGMDR17). Also called: MUSCULAR DYSTROPHY, LIMB-GIRDLE, AUTOSOMAL RECESSIVE 17. Identifiers: Orphanet 254361, MedGen C3150989, MONDO:0013390, OMIM 613723.
Epidermolysis bullosa simplex with nail dystrophy (EBS5D). Identifiers: MedGen C4225309, MONDO:0014661, OMIM 616487.
Epidermolysis bullosa simplex 5B, with muscular dystrophy (EBS5B). Also called: EPIDERMOLYSIS BULLOSA SIMPLEX AND LIMB-GIRDLE MUSCULAR DYSTROPHY; Epidermolysis bullosa simplex with muscular dystrophy. Identifiers: Orphanet 257, MedGen C2931072, MONDO:0009181, OMIM 226670.
Arrhythmogenic right ventricular dysplasia 1. Identifiers: Orphanet 3403, MedGen C1862511, MONDO:0007152, OMIM 107970.

Allele frequency attached by ClinVar (database versions not stated): 1000 Genomes Project 0.00040; 1000 Genomes Project 30x 0.00078; ESP Exome Variant Server 0.00140; gnomAD exomes 0.00141 and 0.00255; TOPMed 0.00144; ExAC 0.00149; gnomAD 0.00151 and 0.00153.
gnomAD v4.1: 3,903 of 1,611,772 alleles (0.24%); highest among the groups gnomAD compares: Non-Finnish European, 0.31%; 2 homozygotes.

Submissions (9):

Labcorp Genetics (formerly Invitae), Labcorp
Classification: Likely benign for Autosomal recessive limb-girdle muscular dystrophy type 2Q; Epidermolysis bullosa simplex, Ogna type; Epidermolysis bullosa simplex with nail dystrophy; Epidermolysis bullosa simplex 5C, with pyloric atresia; Epidermolysis bullosa simplex 5B, with muscular dystrophy. Last evaluated: 2026-01-28. Review status: criteria provided, single submitter. Criteria: Invitae Variant Classification Sherloc (09022015). Collection method: clinical testing. Allele origin: germline.

Athena Diagnostics
Classification: Likely benign. Last evaluated: 2025-09-22. Review status: criteria provided, single submitter. Criteria: Athena Diagnostics Criteria. Collection method: clinical testing. Allele origin: unknown.
Comment: The frequency of this variant in the general population is higher than would generally be expected for pathogenic variants in this gene. Computational tools predict this amino acid change may be benign.

CeGaT Center for Human Genetics Tuebingen
Classification: Likely benign. Last evaluated: 2025-06-01. Review status: criteria provided, single submitter. Criteria: CeGaT Center For Human Genetics Tuebingen Variant Classification Criteria Version 2. Collection method: clinical testing. Allele origin: germline. Affected: yes. Observed: 9 variant alleles.
Comment: PLEC: BP4

Mayo Clinic Laboratories, Mayo Clinic
Classification: Likely benign. Last evaluated: 2025-04-15. Review status: criteria provided, single submitter. Criteria: ACMG Guidelines, 2015. Collection method: clinical testing. Allele origin: germline. Observed: 1 variant allele.
Comment: BS1, BP4_moderate

Blueprint Genetics
Classification: Likely benign. Last evaluated: 2024-11-27. Review status: criteria provided, single submitter. Criteria: ACMG Guidelines, 2015. Collection method: clinical testing. Allele origin: germline.

GeneDx
Classification: Likely benign. Last evaluated: 2019-08-02. Review status: criteria provided, single submitter. Criteria: GeneDx Variant Classification Process June 2021. Collection method: clinical testing. Allele origin: germline. Affected: yes.
Comment: This variant is associated with the following publications: (PMID: 32707200)

Eurofins Ntd Llc (ga)
Classification: Uncertain significance. Last evaluated: 2016-01-14. Review status: criteria provided, single submitter. Criteria: EGL Classification Definitions 2015. Collection method: clinical testing. Allele origin: germline. Observed: 8 variant alleles, 8 heterozygotes.

Baylor-Hopkins Center for Mendelian Genomics, Johns Hopkins University School of Medicine
Classification: Likely benign for Arrhythmogenic right ventricular dysplasia, familial 1. Review status: criteria provided, single submitter. Criteria: ACMG Guidelines, 2015. Collection method: research. Allele origin: germline. Affected: yes. Observed: 1 variant allele, 1 heterozygote.

PreventionGenetics, part of Exact Sciences
Classification: Likely benign for PLEC-related condition. Last evaluated: 2024-06-20. Review status: no assertion criteria provided. Collection method: clinical testing. Allele origin: germline. Not counted in ClinVar's aggregate classification.
Comment: This variant is classified as likely benign based on ACMG/AMP sequence variant interpretation guidelines (Richards et al. 2015 PMID: 25741868, with internal and published modifications).

NM_201384.3(PLEC):c.8051G>A (p.Arg2684Gln)

Gene: PLEC (plectin; minus strand). Cytogenetic location: 8q24.3.
Variant type: single nucleotide variant.
Coding change: c.8051G>A on transcript NM_201384.3 (MANE Select); coding-DNA position 8051, G replaced by A.
Protein change: p.Arg2684Gln; replaces arginine 2684 with glutamine.
Molecular consequence: missense variant.
Genome position (GRCh38, 1-based): chr8:143,921,770, C>T on the plus strand (G>A on the coding strand, the complement: PLEC is on the minus strand). VCF-style: chr8-143921770-C-T. GRCh37 (hg19) VCF-style: chr8-144995938-C-T.
Other names: c.8132G>A, p.Arg2711Gln (NM_000445.5); c.8009G>A, p.Arg2670Gln (NM_201378.4); c.7985G>A, p.Arg2662Gln (NM_201379.3); c.8462G>A, p.Arg2821Gln (NM_201380.4); c.7955G>A, p.Arg2652Gln (NM_201381.3); c.8051G>A, p.Arg2684Gln (NM_201382.4); c.8063G>A, p.Arg2688Gln (NM_201383.3); short protein forms R2652Q, R2662Q, R2670Q, R2684Q, R2688Q, R2711Q, R2821Q.
Identifiers: ClinVar variation 196822 (VCV000196822.46), dbSNP rs200239963, ClinGen allele CA244298.